The following is an entry in ClinVar:

ClinVar aggregate classification (germline): Benign/Likely benign. Review status: criteria provided, multiple submitters, no conflicts (2 of 4 stars). 3 submissions from 3 submitters: Benign (1); Likely benign (2). Last evaluated 2026-07-13.

Conditions:
Rhabdoid tumor predisposition syndrome 2 (RTPS2). Identifiers: Orphanet 231108, Orphanet 69077, MedGen C2750074, MONDO:0013224, OMIM 613325.
Hereditary cancer-predisposing syndrome. Also called: Neoplastic Syndromes, Hereditary; Tumor predisposition; Hereditary Cancer Syndrome; Hereditary neoplastic syndrome. Identifiers: Orphanet 140162, MedGen C0027672, MeSH D009386, MONDO:0015356.

Submissions (3):

Myriad Genetics, Inc.
Classification: Benign for Rhabdoid tumor predisposition syndrome 2. Last evaluated: 2026-07-13. Review status: criteria provided, single submitter. Criteria: Myriad Autosomal Dominant, Autosomal Recessive and X-Linked Classification Criteria (2023). Collection method: clinical testing. Allele origin: unknown.
Comment: This variant is considered benign. This variant is a silent/synonymous amino acid change and it is not expected to impact splicing.

Labcorp Genetics (formerly Invitae), Labcorp
Classification: Likely benign for Rhabdoid tumor predisposition syndrome 2. Last evaluated: 2023-10-05. Review status: criteria provided, single submitter. Criteria: Invitae Variant Classification Sherloc (09022015). Collection method: clinical testing. Allele origin: germline.

Ambry Genetics
Classification: Likely benign for Hereditary cancer-predisposing syndrome. Last evaluated: 2023-08-26. Review status: criteria provided, single submitter. Criteria: Ambry Variant Classification Scheme 2023. Collection method: clinical testing. Allele origin: germline.

NM_003072.5(SMARCA4):c.2079A>G (p.Pro693=)

Gene: SMARCA4 (SWI/SNF related BAF chromatin remodeling complex subunit ATPase 4; plus strand). Cytogenetic location: 19p13.2.
Variant type: single nucleotide variant.
Coding change: c.2079A>G on transcript NM_003072.5 (MANE Select); coding-DNA position 2079, A replaced by G.
Protein change: p.Pro693=; no amino-acid change (proline 693 retained).
Molecular consequence: synonymous variant. On other transcripts: non-coding transcript variant (1).
Genome position (GRCh38, 1-based): chr19:11,007,979, A>G. VCF-style: chr19-11007979-A-G. GRCh37 (hg19) VCF-style: chr19-11118655-A-G.
Other names: c.2079A>G, p.Pro693= (NM_001128844.3, NM_001128845.2, NM_001128846.2 and 6 more transcripts); c.2079A>G (NM_001128849.1).
Identifiers: ClinVar variation 2182658 (VCV002182658.7), dbSNP rs2146192580, ClinGen allele CA505486799.